The following is an entry in ClinVar:

ClinVar aggregate classification (germline): Uncertain significance. Review status: criteria provided, multiple submitters, no conflicts (2 of 4 stars). 5 submissions from 5 submitters: Uncertain significance (5). Last evaluated 2023-12-15.

Conditions:
Inborn genetic diseases. Identifiers: MedGen C0950123, MeSH D030342.
Majeed syndrome (MJDS). Also called: CHRONIC RECURRENT MULTIFOCAL OSTEOMYELITIS 1, WITH CONGENITAL DYSERYTHROPOIETIC ANEMIA, WITH OR WITHOUT NEUTROPHILIC DERMATOSIS; LPIN2-Related Majeed Syndrome. Identifiers: Orphanet 77297, MedGen C1864997, MONDO:0012316, OMIM 609628.

Allele frequency attached by ClinVar (database versions not stated): gnomAD 0.00005 and 0.00007; TOPMed 0.00006; gnomAD exomes 0.00007; ExAC 0.00009; ESP Exome Variant Server 0.00015; 1000 Genomes Project 30x 0.00016; 1000 Genomes Project 0.00020.
gnomAD v4.1: 125 of 1,614,132 alleles (0.0077%); highest among the groups gnomAD compares: Non-Finnish European, 0.0098%; no homozygotes.

Submissions (5):

Labcorp Genetics (formerly Invitae), Labcorp
Classification: Uncertain significance for Majeed syndrome. Last evaluated: 2023-12-15. Review status: criteria provided, single submitter. Criteria: Invitae Variant Classification Sherloc (09022015). Collection method: clinical testing. Allele origin: germline.
Comment: This sequence change replaces isoleucine, which is neutral and non-polar, with threonine, which is neutral and polar, at codon 118 of the LPIN2 protein (p.Ile118Thr). This variant is present in population databases (rs181542503, gnomAD 0.01%). This variant has not been reported in the literature in individuals affected with LPIN2-related conditions. ClinVar contains an entry for this variant (Variation ID: 326649). Advanced modeling of protein sequence and biophysical properties (such as structural, functional, and spatial information, amino acid conservation, physicochemical variation, residue mobility, and thermodynamic stability) performed at Invitae indicates that this missense variant is not expected to disrupt LPIN2 protein function with a negative predictive value of 80%. In summary, the available evidence is currently insufficient to determine the role of this variant in disease. Therefore, it has been classified as a Variant of Uncertain Significance.

Ambry Genetics
Classification: Uncertain significance for Inborn genetic diseases. Last evaluated: 2022-12-21. Review status: criteria provided, single submitter. Criteria: Ambry Variant Classification Scheme 2023. Collection method: clinical testing. Allele origin: germline.

Revvity Omics, Revvity
Classification: Uncertain significance for Majeed syndrome. Last evaluated: 2022-03-09. Review status: criteria provided, single submitter. Criteria: ACMG Guidelines, 2015. Collection method: clinical testing. Allele origin: germline.

Mayo Clinic Laboratories, Mayo Clinic
Classification: Uncertain significance. Last evaluated: 2021-02-26. Review status: criteria provided, single submitter. Criteria: ACMG Guidelines, 2015. Collection method: clinical testing. Allele origin: germline. Observed: 1 variant allele.

Illumina Laboratory Services, Illumina
Classification: Uncertain significance for Majeed syndrome. Last evaluated: 2018-01-12. Review status: criteria provided, single submitter. Criteria: ICSL Variant Classification Criteria 13 December 2019. Collection method: clinical testing. Allele origin: germline.

NM_001375808.2(LPIN2):c.353T>C (p.Ile118Thr)

Gene: LPIN2 (lipin 2; minus strand). Cytogenetic location: 18p11.31.
Variant type: single nucleotide variant.
Coding change: c.353T>C on transcript NM_001375808.2 (MANE Select); coding-DNA position 353, T replaced by C.
Protein change: p.Ile118Thr; replaces isoleucine 118 with threonine.
Molecular consequence: missense variant.
Genome position (GRCh38, 1-based): chr18:2,951,292, A>G on the plus strand (T>C on the coding strand, the complement: LPIN2 is on the minus strand). VCF-style: chr18-2951292-A-G. GRCh37 (hg19) VCF-style: chr18-2951290-A-G.
Other names: c.353T>C, p.Ile118Thr (NM_001375809.1, NM_014646.2); short protein forms I118T.
Identifiers: ClinVar variation 326649 (VCV000326649.17), dbSNP rs181542503, ClinGen allele CA8873576.